The following is an entry in ClinVar:

NM_000256.3(MYBPC3):c.3191-5C>T

Gene: MYBPC3 (myosin binding protein C3; minus strand). Cytogenetic location: 11p11.2.
Variant type: single nucleotide variant.
Coding change: c.3191-5C>T on transcript NM_000256.3 (MANE Select); 5 bases into the intron before coding-DNA position 3191, C replaced by T.
Molecular consequence: intron variant.
Genome position (GRCh38, 1-based): chr11:47,333,338, G>A on the plus strand (C>T on the coding strand, the complement: MYBPC3 is on the minus strand). VCF-style: chr11-47333338-G-A. GRCh37 (hg19) VCF-style: chr11-47354889-G-A.
Identifiers: ClinVar variation 1113487 (VCV001113487.12), dbSNP rs1384298522, ClinGen allele CA599374341.
Genomic context (GRCh38, chr11:47,333,338, plus strand): 5'-CACATTAAGACCCCAGGCGTCAGTCACCCGGAGATCCTGGGGAGGACTTGGCTTGTCTGC[G>A]GGAGACAGACCCAGTTGGGTCACCACGCCTCCTGACAGTGAGCAGGGGGTCACTGGCTCC-3'

ClinVar aggregate classification (germline): Conflicting classifications of pathogenicity. Review status: criteria provided, conflicting classifications (1 of 4 stars). 4 submissions from 4 submitters: Uncertain significance (2); Likely benign (2). Last evaluated 2025-07-01.

Conditions:
Cardiomyopathy (CMYO). Also called: Cardiomyopathies. Identifiers: Orphanet 167848, MedGen C0878544, MONDO:0004994, HP:0001638. Inheritance: Various modes of inheritance.
Cardiovascular phenotype. Identifiers: MedGen CN230736.
Hypertrophic cardiomyopathy. Also called: HYPERTROPHIC MYOCARDIOPATHY. Identifiers: Orphanet 217569, MedGen C0007194, MeSH D002312, MONDO:0005045, HP:0001639.

Allele frequency attached by ClinVar (database versions not stated): gnomAD exomes below 0.00001; gnomAD 0.00001.
gnomAD v4.1: 6 of 1,564,100 alleles (0.00038%); highest among the groups gnomAD compares: East Asian, 0.0047%; no homozygotes.

Submissions (4):

Labcorp Genetics (formerly Invitae), Labcorp
Classification: Likely benign for Hypertrophic cardiomyopathy. Last evaluated: 2025-07-01. Review status: criteria provided, single submitter. Criteria: Invitae Variant Classification Sherloc (09022015). Collection method: clinical testing. Allele origin: germline.

Ambry Genetics
Classification: Uncertain significance for Cardiovascular phenotype. Last evaluated: 2024-04-04. Review status: criteria provided, single submitter. Criteria: Ambry Variant Classification Scheme 2023. Collection method: clinical testing. Allele origin: germline.
Comment: The c.3191-5C>T intronic variant results from a C to T substitution 5 nucleotides upstream from coding exon 30 in the MYBPC3 gene. This nucleotide position is poorly conserved in available vertebrate species. In silico splice site analysis predicts that this alteration will not have any significant effect on splicing. Based on the available evidence, the clinical significance of this variant remains unclear.

All of Us Research Program, National Institutes of Health
Classification: Likely benign for Hypertrophic cardiomyopathy. Last evaluated: 2024-01-11. Review status: criteria provided, single submitter. Criteria: ACMG Guidelines, 2015. Collection method: clinical testing. Allele origin: germline. Inheritance: Autosomal dominant inheritance. Observed: 4 variant alleles, 4 heterozygotes.
Comment: This study involves interpretation of variants in research participants for the purpose of population health screening. Participant phenotype was not available at the time of variant classification. Additional details can be found in publication PMID: 35346344, PMCID: PMC8962531

CHEO Genetics Diagnostic Laboratory, Children's Hospital of Eastern Ontario
Classification: Uncertain significance for Cardiomyopathy. Last evaluated: 2020-01-03. Review status: criteria provided, single submitter. Criteria: ACMG Guidelines, 2015. Collection method: clinical testing. Allele origin: germline.